The following is an entry in ClinVar:

NM_000256.3(MYBPC3):c.867del (p.Asp289fs)

Gene: MYBPC3 (myosin binding protein C3; minus strand). Cytogenetic location: 11p11.2.
Variant type: Deletion.
Coding change: c.867del on transcript NM_000256.3 (MANE Select); coding-DNA position 867, one base deleted (C; older notation c.867delC).
Protein change: p.Asp289fs; shifts the reading frame from aspartic acid 289.
Molecular consequence: frameshift variant.
Genome position (GRCh38, 1-based): chr11:47,347,464, G deleted on the plus strand (C on the coding strand, the reverse complement: MYBPC3 is on the minus strand). VCF-style (leftmost placement, unchanged base first): chr11-47347463-TG-T. GRCh37 (hg19) VCF-style: chr11-47369014-TG-T.
Other names: short protein forms D289fs.
Identifiers: ClinVar variation 2773761 (VCV002773761.3), dbSNP rs2495774106, ClinGen allele CA2697548552.

ClinVar aggregate classification (germline): Pathogenic. Review status: criteria provided, multiple submitters, no conflicts (2 of 4 stars). 2 submissions from 2 submitters: Pathogenic (2). Last evaluated 2023-08-15.

Conditions:
Cardiomyopathy (CMYO). Also called: Cardiomyopathies. Identifiers: Orphanet 167848, MedGen C0878544, MONDO:0004994, HP:0001638. Inheritance: Various modes of inheritance.
Hypertrophic cardiomyopathy. Also called: HYPERTROPHIC MYOCARDIOPATHY. Identifiers: Orphanet 217569, MedGen C0007194, MeSH D002312, MONDO:0005045, HP:0001639.

Submissions (2):

All of Us Research Program, National Institutes of Health
Classification: Pathogenic for Hypertrophic cardiomyopathy. Last evaluated: 2023-08-15. Review status: criteria provided, single submitter. Criteria: ACMG Guidelines, 2015. Collection method: clinical testing. Allele origin: germline. Inheritance: Autosomal dominant inheritance. Observed: 1 variant allele, 1 heterozygote.
Comment: This variant deletes 1 nucleotide in exon 9 in the MyBP-C motif of the MYBPC3 gene, creating a frameshift and premature translation stop signal. This variant is expected to result in an absent or non-functional protein product. To our knowledge, this variant has not been reported in individuals affected with MYBPC3-related disorders in the literature. This variant has not been identified in the general population by the Genome Aggregation Database (gnomAD). Loss of MYBPC3 function is a known mechanism of disease. Based on the available evidence, this variant is classified as Pathogenic.

This study involves interpretation of variants in research participants for the purpose of population health screening. Participant phenotype was not available at the time of variant classification. Additional details can be found in publication PMID: 35346344, PMCID: PMC8962531

Color Diagnostics, LLC DBA Color Health
Classification: Pathogenic for Cardiomyopathy. Last evaluated: 2023-06-14. Review status: criteria provided, single submitter. Criteria: ACMG Guidelines, 2015. Collection method: clinical testing. Allele origin: germline.
Comment: This variant deletes 1 nucleotide in exon 9 in the MyBP-C motif of the MYBPC3 gene, creating a frameshift and premature translation stop signal. This variant is expected to result in an absent or non-functional protein product. To our knowledge, this variant has not been reported in individuals affected with MYBPC3-related disorders in the literature. This variant has not been identified in the general population by the Genome Aggregation Database (gnomAD). Loss of MYBPC3 function is a known mechanism of disease. Based on the available evidence, this variant is classified as Pathogenic.